The following is an entry in ClinVar:

NM_018062.4(FANCL):c.610dup (p.Met204fs)

Gene: FANCL (FA complementation group L; minus strand). Cytogenetic location: 2p16.1.
Variant type: Duplication.
Coding change: c.610dup on transcript NM_018062.4 (MANE Select); coding-DNA position 610, one base duplicated (A; older notation c.610dupA).
Protein change: p.Met204fs; shifts the reading frame from methionine 204.
Molecular consequence: frameshift variant. On other transcripts: non-coding transcript variant (2).
Genome position (GRCh38, 1-based): chr2:58,165,805, T duplicated on the plus strand (A on the coding strand, the reverse complement: FANCL is on the minus strand). VCF-style (leftmost placement, unchanged base first): chr2-58165804-A-AT. GRCh37 (hg19) VCF-style: chr2-58392939-A-AT.
Other names: c.625dup, p.Met209fs (NM_001114636.2, NM_001438890.1); c.655dup, p.Met219fs (NM_001374615.1, NM_001438889.1); c.670dup, p.Met224fs (NM_001410792.1); c.610dup, p.Met204fs (NM_001438891.1); c.166dup, p.Met56fs (NM_001438892.1); short protein forms M204fs, M209fs, M219fs, M224fs, M56fs.
Identifiers: ClinVar variation 5018770 (VCV005018770.1).
Genomic context (GRCh38, chr2:58,165,804, plus strand): 5'-GTTGCACTCCGTGGAGGTTTTTCTGGCTCAAGTACCCAGGTCTTCTCATCGATTTCATCC[A>AT]TAACATCCCAGAATGCCTTTAGTGATTCTATTGCTGCCAAAAACTGACTATAAATGCTTA-3'

ClinVar aggregate classification (germline): Likely pathogenic (1 of 4 stars; one submission).

Conditions:
Fanconi anemia complementation group L (FANCL). Also called: FANCL-Related Fanconi Anemia. Identifiers: Orphanet 84, MedGen C3469528, MONDO:0013566, OMIM 614083.

Submission:

Juno Genomics, Hangzhou Juno Genomics, Inc
Classification: Likely pathogenic for Fanconi anemia complementation group L. Review status: criteria provided, single submitter. Criteria: ACMG Guidelines, 2015. Collection method: clinical testing. Allele origin: germline. Affected: yes.
Comment: Absent from controls (or at extremely low frequency if recessive) in Genome Aggregation Database.;Null variant in a gene where loss of function (LOF) is a known mechanism of disease.